The following is an entry in ClinVar:

ClinVar aggregate classification (germline): Uncertain significance (1 of 4 stars; one submission).

gnomAD v4.1: 7 of 1,614,202 alleles (0.00043%); highest among the groups gnomAD compares: African/African-American, 0.0067%; no homozygotes.

Submission:

GeneDx
Classification: Uncertain significance. Last evaluated: 2026-02-01. Review status: criteria provided, single submitter. Criteria: GeneDx Variant Classification Process June 2021. Collection method: clinical testing. Allele origin: germline.
Comment: In silico analysis suggests that this missense variant does not alter protein structure/function; Has not been previously published as pathogenic or benign to our knowledge

NM_178452.6(DNAAF1):c.425A>G (p.Gln142Arg)

Gene: DNAAF1 (dynein axonemal assembly factor 1; plus strand). Cytogenetic location: 16q24.1.
Variant type: single nucleotide variant.
Coding change: c.425A>G on transcript NM_178452.6 (MANE Select); coding-DNA position 425, A replaced by G.
Protein change: p.Gln142Arg; replaces glutamine 142 with arginine.
Molecular consequence: missense variant.
Genome position (GRCh38, 1-based): chr16:84,154,649, A>G. VCF-style: chr16-84154649-A-G. GRCh37 (hg19) VCF-style: chr16-84188254-A-G.
Other names: short protein forms Q142R.
Identifiers: ClinVar variation 4976018 (VCV004976018.1).